The following is an entry in ClinVar:

NM_001061.7(TBXAS1):c.1388A>G (p.Gln463Arg)

Gene: TBXAS1 (thromboxane A synthase 1; plus strand). Cytogenetic location: 7q34.
Variant type: single nucleotide variant.
Coding change: c.1388A>G on transcript NM_001061.7 (MANE Select); coding-DNA position 1388, A replaced by G.
Protein change: p.Gln463Arg; replaces glutamine 463 with arginine.
Molecular consequence: missense variant. On other transcripts: intron variant (1).
Genome position (GRCh38, 1-based): chr7:140,017,694, A>G. VCF-style: chr7-140017694-A-G. GRCh37 (hg19) VCF-style: chr7-139717494-A-G.
Other names: c.1388A>G, p.Gln463Arg (NM_001130966.5); c.1526A>G, p.Gln509Arg (NM_001166253.4); c.1187A>G, p.Gln396Arg (NM_001166254.4); c.1331A>G, p.Gln444Arg (NM_001314028.4); c.1205A>G, p.Gln402Arg (NM_001366537.3); c.1364+1834A>G (NM_030984.6); c.1391A>G (NM_001061.4); short protein forms Q396R, Q509R, Q444R, Q402R, Q463R.
Identifiers: ClinVar variation 1499606 (VCV001499606.4), dbSNP rs752926435, ClinGen allele CA4512031.

ClinVar aggregate classification (germline): Conflicting classifications of pathogenicity. Review status: criteria provided, conflicting classifications (1 of 4 stars). 2 submissions from 2 submitters: Uncertain significance (1); Likely benign (1). Last evaluated 2022-06-05.

Conditions:
Inborn genetic diseases. Identifiers: MedGen C0950123, MeSH D030342.

Allele frequency attached by ClinVar (database versions not stated): gnomAD exomes below 0.00001 and 0.00001; gnomAD 0.00001; TOPMed 0.00001; ExAC 0.00002.
gnomAD v4.1: 6 of 1,613,422 alleles (0.00037%); highest among the groups gnomAD compares: Non-Finnish European, 0.00051%; no homozygotes.

Submissions (2):

Labcorp Genetics (formerly Invitae), Labcorp
Classification: Uncertain significance. Last evaluated: 2022-06-05. Review status: criteria provided, single submitter. Criteria: Invitae Variant Classification Sherloc (09022015). Collection method: clinical testing. Allele origin: germline.
Comment: This sequence change replaces glutamine, which is neutral and polar, with arginine, which is basic and polar, at codon 464 of the TBXAS1 protein (p.Gln464Arg). This variant is present in population databases (rs752926435, gnomAD 0.002%). This variant has not been reported in the literature in individuals affected with TBXAS1-related conditions. ClinVar contains an entry for this variant (Variation ID: 1499606). Advanced modeling of protein sequence and biophysical properties (such as structural, functional, and spatial information, amino acid conservation, physicochemical variation, residue mobility, and thermodynamic stability) performed at Invitae indicates that this missense variant is not expected to disrupt TBXAS1 protein function. In summary, the available evidence is currently insufficient to determine the role of this variant in disease. Therefore, it has been classified as a Variant of Uncertain Significance.

Ambry Genetics
Classification: Likely benign for Inborn genetic diseases. Last evaluated: 2021-10-26. Review status: criteria provided, single submitter. Criteria: Ambry Variant Classification Scheme 2023. Collection method: clinical testing. Allele origin: germline.